The following is an entry in ClinVar:

ClinVar aggregate classification (germline): Likely pathogenic (1 of 4 stars; one submission).

Conditions:
Deficiency of acetyl-CoA acetyltransferase. Also called: 3-KETOTHIOLASE DEFICIENCY; 3-OXOTHIOLASE DEFICIENCY; Beta-ketothiolase deficiency; MITOCHONDRIAL ACETOACETYL-CoA THIOLASE DEFICIENCY. Identifiers: Orphanet 134, MedGen C1536500, MONDO:0008760, OMIM 203750. Disease mechanism: loss of function.

Submission:

Labcorp Genetics (formerly Invitae), Labcorp
Classification: Likely pathogenic for Deficiency of acetyl-CoA acetyltransferase. Last evaluated: 2023-10-06. Review status: criteria provided, single submitter. Criteria: Invitae Variant Classification Sherloc (09022015). Collection method: clinical testing. Allele origin: germline.
Comment: This sequence change affects an acceptor splice site in intron 1 of the ACAT1 gene. It is expected to disrupt RNA splicing. Variants that disrupt the donor or acceptor splice site typically lead to a loss of protein function (PMID: 16199547), and loss-of-function variants in ACAT1 are known to be pathogenic (PMID: 7749408). This variant is present in population databases (no rsID available, gnomAD 0.004%). This variant has not been reported in the literature in individuals affected with ACAT1-related conditions. ClinVar contains an entry for this variant (Variation ID: 2025114). Algorithms developed to predict the effect of sequence changes on RNA splicing suggest that this variant may disrupt the consensus splice site. In summary, the currently available evidence indicates that the variant is pathogenic, but additional data are needed to prove that conclusively. Therefore, this variant has been classified as Likely Pathogenic.

Literature cited by the submitters: PubMed 16199547; PubMed 7749408.

NM_000019.4(ACAT1):c.73-1G>A

Gene: ACAT1 (acetyl-CoA acetyltransferase 1; plus strand). Cytogenetic location: 11q22.3.
Variant type: single nucleotide variant.
Coding change: c.73-1G>A on transcript NM_000019.4 (MANE Select); the canonical splice acceptor site of the intron before coding-DNA position 73, G replaced by A.
Molecular consequence: splice acceptor variant.
Genome position (GRCh38, 1-based): chr11:108,131,906, G>A. VCF-style: chr11-108131906-G-A. GRCh37 (hg19) VCF-style: chr11-108002633-G-A.
Other names: c.-198-1G>A (NM_001386682.1, NM_001386681.1, NM_001386685.1 and 6 more transcripts); c.73-1G>A (NM_001386677.1, NM_001386678.1); c.-205-1G>A (NM_001386679.1).
Identifiers: ClinVar variation 2025114 (VCV002025114.4), dbSNP rs1277676635, ClinGen allele CA382506084.